The following is an entry in ClinVar:

ClinVar aggregate classification (germline): Pathogenic. Review status: criteria provided, multiple submitters, no conflicts (2 of 4 stars). 2 submissions from 2 submitters: Pathogenic (2). Last evaluated 2024-01-03.

Conditions:
Hereditary cancer-predisposing syndrome. Also called: Neoplastic Syndromes, Hereditary; Tumor predisposition; Hereditary Cancer Syndrome; Hereditary neoplastic syndrome. Identifiers: Orphanet 140162, MedGen C0027672, MeSH D009386, MONDO:0015356.
Breast-ovarian cancer, familial, susceptibility to, 4. Identifiers: Orphanet 145, MedGen C3280345, MONDO:0013669, OMIM 614291.

Submissions (2):

Myriad Genetics, Inc.
Classification: Pathogenic for Breast-ovarian cancer, familial, susceptibility to, 4. Last evaluated: 2024-01-03. Review status: criteria provided, single submitter. Criteria: Myriad Autosomal Dominant, Autosomal Recessive and X-Linked Classification Criteria (2023). Collection method: clinical testing. Allele origin: unknown.
Comment: This variant is considered pathogenic. This variant creates a frameshift predicted to result in premature protein truncation.

Color Diagnostics, LLC DBA Color Health
Classification: Pathogenic for Hereditary cancer-predisposing syndrome. Last evaluated: 2020-01-15. Review status: criteria provided, single submitter. Criteria: ACMG Guidelines, 2015. Collection method: clinical testing. Allele origin: germline.
Comment: This variant is located in the RAD51D protein. Splice site prediction tools suggest that this variant may not impact RNA splicing. This variant has not been identified in the general population by the Genome Aggregation Database (gnomAD). Loss of RAD51D function is a known mechanism of disease. Based on the available evidence, this variant is classified as Pathogenic.

NM_002878.4(RAD51D):c.23_27delinsA (p.Leu8fs)

Genes: RAD51D (RAD51 paralog D; minus strand), RAD51L3-RFFL (RAD51L3-RFFL readthrough; minus strand). Cytogenetic location: 17q12.
Variant type: Indel.
Coding change: c.23_27delinsA on transcript NM_002878.4 (MANE Select); coding-DNA positions 23 to 27, TGTGC replaced by A.
Protein change: p.Leu8fs; shifts the reading frame from leucine 8.
Molecular consequence: frameshift variant. On other transcripts: non-coding transcript variant (2).
Genome position (GRCh38, 1-based): chr17:35,119,587-35,119,591, GCACA replaced by T on the plus strand (TGTGC replaced by A on the coding strand, the reverse complement: RAD51D is on the minus strand). VCF-style: chr17-35119587-GCACA-T. GRCh37 (hg19) VCF-style: chr17-33446606-GCACA-T.
Other names: c.23_27delinsA, p.Leu8fs (NM_001142571.2, NM_133629.3); short protein forms L8fs.
Identifiers: ClinVar variation 919305 (VCV000919305.4), dbSNP rs2091798919, ClinGen allele CA913188848.
Genomic context (GRCh38, chr17:35,119,587, plus strand): 5'-GTCACCTGTCTTGATCCTGTGGCTCCTGAGAAGCTGGATCATCTCCTCGGTAAGGCCAGG[GCACA>T]GTCCGACCCTGAGCACGCCCATGTTCCCCGCAGGCCGGAACAGCCCCAGGGGGACTGCAC-3'